The following is an entry in ClinVar:

NM_003072.5(SMARCA4):c.1846C>T (p.Pro616Ser)

Gene: SMARCA4 (SWI/SNF related BAF chromatin remodeling complex subunit ATPase 4; plus strand). Cytogenetic location: 19p13.2.
Variant type: single nucleotide variant.
Coding change: c.1846C>T on transcript NM_003072.5 (MANE Select); coding-DNA position 1846, C replaced by T.
Protein change: p.Pro616Ser; replaces proline 616 with serine.
Molecular consequence: missense variant. On other transcripts: non-coding transcript variant (1).
Genome position (GRCh38, 1-based): chr19:11,003,062, C>T. VCF-style: chr19-11003062-C-T. GRCh37 (hg19) VCF-style: chr19-11113738-C-T.
Other names: c.1846C>T, p.Pro616Ser (NM_001128844.3, NM_001128845.2, NM_001128846.2 and 6 more transcripts); short protein forms P616S.
Identifiers: ClinVar variation 3445967 (VCV003445967.1).
Genomic context (GRCh38, chr19:11,003,062, plus strand): 5'-AGTGTCACACGAATGACTCTTTTTCAGCCTCTGGACGAGACCAGCCAGATGAGCGACCTC[C>T]CGGTGAAGGTGATCCACGTGGAGAGTGGGAAGATCCTCACAGGCACAGATGCCCCCAAAG-3'
Protein context (NP_003063.2, residues 606-626): LDETSQMSDL[Pro616Ser]VKVIHVESGK

ClinVar aggregate classification (germline): Uncertain significance (1 of 4 stars; one submission).

Conditions:
Hereditary cancer-predisposing syndrome. Also called: Tumor predisposition; Neoplastic Syndromes, Hereditary; Hereditary neoplastic syndrome; Hereditary Cancer Syndrome. Identifiers: Orphanet 140162, MedGen C0027672, MeSH D009386, MONDO:0015356.

Submission:

Ambry Genetics
Classification: Uncertain significance for Hereditary cancer-predisposing syndrome. Last evaluated: 2024-07-01. Review status: criteria provided, single submitter. Criteria: Ambry Variant Classification Scheme 2023. Collection method: clinical testing. Allele origin: germline.
Comment: The p.P616S variant (also known as c.1846C>T), located in coding exon 11 of the SMARCA4 gene, results from a C to T substitution at nucleotide position 1846. The proline at codon 616 is replaced by serine, an amino acid with similar properties. This amino acid position is highly conserved in available vertebrate species. In addition, this alteration is predicted to be deleterious by in silico analysis. Based on the available evidence, the clinical significance of this variant remains unclear.